The following is an entry in ClinVar:

NM_000093.5(COL5A1):c.792G>T (p.Thr264=)

Gene: COL5A1 (collagen type V alpha 1 chain; plus strand). Cytogenetic location: 9q34.3.
Variant type: single nucleotide variant.
Coding change: c.792G>T on transcript NM_000093.5 (MANE Select); coding-DNA position 792, G replaced by T.
Protein change: p.Thr264=; no amino-acid change (threonine 264 retained).
Molecular consequence: synonymous variant.
Genome position (GRCh38, 1-based): chr9:134,728,675, G>T. VCF-style: chr9-134728675-G-T. GRCh37 (hg19) VCF-style: chr9-137620521-G-T.
Other names: c.792G>T, p.Thr264= (NM_001278074.1); c.792G>T (NM_000093.3).
Identifiers: ClinVar variation 415445 (VCV000415445.22), dbSNP rs757360763, ClinGen allele CA5318543.

ClinVar aggregate classification (germline): Likely benign. Review status: criteria provided, multiple submitters, no conflicts (2 of 4 stars). 5 submissions from 5 submitters: Likely benign (5). Last evaluated 2025-12-17.

Conditions:
Ehlers-Danlos syndrome, classic type, 1 (EDSCL1). Also called: Ehlers-Danlos Syndrome, Classic Type, COL5A1-Related; EHLERS-DANLOS SYNDROME, GRAVIS TYPE; EHLERS-DANLOS SYNDROME, SEVERE CLASSIC TYPE; EDS I; Ehlers-Danlos syndrome, type 1. Identifiers: MedGen C0268335, MONDO:0019567, OMIM 130000.
COL5A1-related disorder. Also called: COL5A1-related condition.
Familial thoracic aortic aneurysm and aortic dissection (TAAD). Also called: Thoracic aortic aneurysms and dissections. Identifiers: Orphanet 91387, MedGen C4707243, MONDO:0019625.

Allele frequency attached by ClinVar (database versions not stated): TOPMed 0.00003.
gnomAD v4.1: 14 of 1,613,958 alleles (0.00087%); highest among the groups gnomAD compares: Non-Finnish European, 0.0011%; no homozygotes.

Submissions (5):

Labcorp Genetics (formerly Invitae), Labcorp
Classification: Likely benign for Ehlers-Danlos syndrome, classic type, 1. Last evaluated: 2025-12-17. Review status: criteria provided, single submitter. Criteria: Invitae Variant Classification Sherloc (09022015). Collection method: clinical testing. Allele origin: germline.

Women's Health and Genetics/Laboratory Corporation of America, LabCorp
Classification: Likely benign. Last evaluated: 2025-09-15. Review status: criteria provided, single submitter. Criteria: LabCorp Variant Classification Summary - May 2015. Collection method: clinical testing. Allele origin: germline.

PreventionGenetics, part of Exact Sciences
Classification: Likely benign for COL5A1-related condition. Last evaluated: 2025-03-24. Review status: criteria provided, single submitter. Criteria: ACMG Guidelines, 2015. Collection method: clinical testing. Allele origin: germline.
Comment: This variant is classified as likely benign based on ACMG/AMP sequence variant interpretation guidelines (Richards et al. 2015 PMID: 25741868, with internal and published modifications).

Blueprint Genetics
Classification: Likely benign. Last evaluated: 2024-09-06. Review status: criteria provided, single submitter. Criteria: ACMG Guidelines, 2015. Collection method: clinical testing. Allele origin: germline.

Ambry Genetics
Classification: Likely benign for Familial thoracic aortic aneurysm and aortic dissection. Last evaluated: 2024-08-25. Review status: criteria provided, single submitter. Criteria: Ambry Variant Classification Scheme 2023. Collection method: clinical testing. Allele origin: germline.